The following is an entry in ClinVar:

ClinVar aggregate classification (germline): Conflicting classifications of pathogenicity. Review status: criteria provided, conflicting classifications (1 of 4 stars). 5 submissions from 5 submitters: Pathogenic (1); Likely pathogenic (1); Uncertain significance (2). 1 of the submissions does not count toward it. Last evaluated 2025-02-26.

Conditions:
Retinitis pigmentosa (RP). Identifiers: Orphanet 791, MedGen C0035334, MeSH D012174, MONDO:0019200, OMIM 268000. Inheritance: Autosomal dominant, autosomal recessive and X linked inheritance.
IMPDH1-related disorder. Also called: IMPDH1-related disorders; IMPDH1-related condition.
Retinal dystrophy. Also called: Inherited retinal dystrophy. Identifiers: Orphanet 71862, MedGen C0854723, MeSH D058499, MONDO:0019118, HP:0000556.

Submissions (5):

Labcorp Genetics (formerly Invitae), Labcorp
Classification: Uncertain significance. Last evaluated: 2025-02-26. Review status: criteria provided, single submitter. Criteria: Invitae Variant Classification Sherloc (09022015). Collection method: clinical testing. Allele origin: germline.
Comment: This sequence change replaces alanine, which is neutral and non-polar, with valine, which is neutral and non-polar, at codon 321 of the IMPDH1 protein (p.Ala321Val). This variant is not present in population databases (gnomAD no frequency). This missense change has been observed in individual(s) with retinitis pigmentosa (PMID: 25698705, 30718709). ClinVar contains an entry for this variant (Variation ID: 636038). An algorithm developed to predict the effect of missense changes on protein structure and function (PolyPhen-2) suggests that this variant is likely to be disruptive. In summary, the available evidence is currently insufficient to determine the role of this variant in disease. Therefore, it has been classified as a Variant of Uncertain Significance.

Blueprint Genetics
Classification: Pathogenic for IMPDH1-related disorders. Last evaluated: 2021-02-19. Review status: criteria provided, single submitter. Criteria: ACMG Guidelines, 2015. Collection method: clinical testing. Allele origin: germline. Affected: yes. Observed: 4 variant alleles.

GeneDx
Classification: Uncertain significance. Last evaluated: 2020-08-03. Review status: criteria provided, single submitter. Criteria: GeneDx Variant Classification Process June 2021. Collection method: clinical testing. Allele origin: germline. Affected: yes.
Comment: Not observed in large population cohorts (Lek et al., 2016); In silico analysis, which includes protein predictors and evolutionary conservation, supports a deleterious effect; This variant is associated with the following publications: (PMID: 25698705, 30718709, 26321861)

Institute of Human Genetics, Univ. Regensburg, Univ. Regensburg
Classification: Likely pathogenic for Retinal dystrophy. Last evaluated: 2018-01-01. Review status: criteria provided, single submitter. Criteria: ACMG Guidelines, 2015. Collection method: clinical testing. Allele origin: germline. Affected: yes.

Department of Clinical Genetics, Copenhagen University Hospital, Rigshospitalet
Classification: Likely pathogenic for Retinitis pigmentosa. Last evaluated: 2018-04-01. Review status: no assertion criteria provided. Collection method: research. Allele origin: unknown. Affected: yes. Study: VeluxRD. Not counted in ClinVar's aggregate classification.

Literature cited by the submitters: PubMed 25698705 (cited by Labcorp Genetics (formerly Invitae), Labcorp and Institute of Human Genetics, Univ. Regensburg, Univ. Regensburg); PubMed 30718709 (cited by Labcorp Genetics (formerly Invitae), Labcorp and Department of Clinical Genetics, Copenhagen University Hospital, Rigshospitalet).

NM_000883.4(IMPDH1):c.962C>T (p.Ala321Val)

Gene: IMPDH1 (inosine monophosphate dehydrogenase 1; minus strand). Cytogenetic location: 7q32.1.
Variant type: single nucleotide variant.
Coding change: c.962C>T on transcript NM_000883.4 (MANE Select); coding-DNA position 962, C replaced by T.
Protein change: p.Ala321Val; replaces alanine 321 with valine.
Molecular consequence: missense variant.
Genome position (GRCh38, 1-based): chr7:128,398,526, G>A on the plus strand (C>T on the coding strand, the complement: IMPDH1 is on the minus strand). VCF-style: chr7-128398526-G-A. GRCh37 (hg19) VCF-style: chr7-128038580-G-A.
Other names: c.932C>T, p.Ala311Val (NM_001102605.2); c.707C>T, p.Ala236Val (NM_001142573.2); c.692C>T, p.Ala231Val (NM_001142574.2); c.632C>T, p.Ala211Val (NM_001142575.2); c.863C>T, p.Ala288Val (NM_001142576.2); c.755C>T, p.Ala252Val (NM_001304521.2); c.854C>T, p.Ala285Val (NM_183243.3); short protein forms A321V, A211V, A252V, A285V, A231V, A236V, A288V, A311V.
Identifiers: ClinVar variation 636038 (VCV000636038.10), dbSNP rs1584728088, ClinGen allele CA369169078.
Genomic context (GRCh38, chr7:128,398,526, plus strand): 5'-TCATCCTCACGGGTGCCCACAGCTGCCCCACAGAGCAGCTGCTTCTGGGAATCCTTGGAG[G>A]CCAGAGGGTAGTCTCGGTTCTTCTTCAGGTCGGTGCGGGCGATGATGGCCACCAGCTCAT-3'
Protein context (NP_000874.2, residues 311-331): DLKKNRDYPL[Ala321Val]SKDSQKQLLC